The following is an entry in ClinVar:

ClinVar aggregate classification (germline): Uncertain significance (1 of 4 stars; one submission).

gnomAD v4.1: 1 of 1,592,158 alleles (0.000063%); highest among the groups gnomAD compares: Non-Finnish European, 0.000085%; no homozygotes.

Submission:

GeneDx
Classification: Uncertain significance. Last evaluated: 2019-12-13. Review status: criteria provided, single submitter. Criteria: GeneDx Variant Classification Process June 2021. Collection method: clinical testing. Allele origin: germline. Affected: yes.
Comment: Not observed in large population cohorts (Lek et al., 2016); In silico analysis, which includes protein predictors and evolutionary conservation, supports that this variant does not alter protein structure/function; Has not been previously published as pathogenic or benign to our knowledge

NM_005257.6(GATA6):c.155G>A (p.Arg52Gln)

Gene: GATA6 (GATA binding protein 6; plus strand). Cytogenetic location: 18q11.2.
Variant type: single nucleotide variant.
Coding change: c.155G>A on transcript NM_005257.6 (MANE Select); coding-DNA position 155, G replaced by A.
Protein change: p.Arg52Gln; replaces arginine 52 with glutamine.
Molecular consequence: missense variant.
Genome position (GRCh38, 1-based): chr18:22,171,299, G>A. VCF-style: chr18-22171299-G-A. GRCh37 (hg19) VCF-style: chr18-19751260-G-A.
Other names: short protein forms R52Q.
Identifiers: ClinVar variation 1311071 (VCV001311071.2), dbSNP rs541150137, ClinGen allele CA401798829.